The following is an entry in ClinVar:

ClinVar aggregate classification (germline): Uncertain significance (1 of 4 stars; one submission).

Conditions:
Fanconi anemia (FA). Also called: Fanconi's anemia. Identifiers: Orphanet 84, MedGen C0015625, MeSH D005199, MONDO:0019391.

Submission:

Labcorp Genetics (formerly Invitae), Labcorp
Classification: Uncertain significance for Fanconi anemia. Last evaluated: 2019-11-08. Review status: criteria provided, single submitter. Criteria: Invitae Variant Classification Sherloc (09022015). Collection method: clinical testing. Allele origin: germline.
Comment: This sequence change replaces glycine with cysteine at codon 118 of the FANCF protein (p.Gly118Cys). The glycine residue is highly conserved and there is a large physicochemical difference between glycine and cysteine. This variant is not present in population databases (ExAC no frequency) and has not been reported in the literature in individuals with a FANCF-related disease. Algorithms developed to predict the effect of missense changes on protein structure and function do not agree on the potential impact of this missense change (SIFT: "Tolerated"; PolyPhen-2: "Probably Damaging"; Align-GVGD: "Class C0"). In summary, this variant is a novel missense change with uncertain impact on protein function. It has been classified as a Variant of Uncertain Significance.

NM_022725.4(FANCF):c.352G>T (p.Gly118Cys)

Gene: FANCF (FA complementation group F; minus strand). Cytogenetic location: 11p14.3.
Variant type: single nucleotide variant.
Coding change: c.352G>T on transcript NM_022725.4 (MANE Select); coding-DNA position 352, G replaced by T.
Protein change: p.Gly118Cys; replaces glycine 118 with cysteine.
Molecular consequence: missense variant.
Genome position (GRCh38, 1-based): chr11:22,625,459, C>A on the plus strand (G>T on the coding strand, the complement: FANCF is on the minus strand). VCF-style: chr11-22625459-C-A. GRCh37 (hg19) VCF-style: chr11-22647005-C-A.
Other names: short protein forms G118C.
Identifiers: ClinVar variation 408149 (VCV000408149.10), dbSNP rs1060501871, ClinGen allele CA16613289.
Genomic context (GRCh38, chr11:22,625,459, plus strand): 5'-GGGCAAGGCGGGCCAGGCTCTCTTGGAGTGTCTCCTCATCGGCGTCCCGGACGCCCGGGC[C>A]GGGAAAGAGTTGCTGCACCAGGTGGTAACGAGCTGCATCCCCGAGGGCCCGGTTCTCCAG-3'
Protein context (NP_073562.1, residues 108-128): RYHLVQQLFP[Gly118Cys]PGVRDADEET